The following is an entry in ClinVar:

NM_001394998.1(TANC2):c.97A>C (p.Arg33=)

Gene: TANC2 (tetratricopeptide repeat, ankyrin repeat and coiled-coil containing 2; plus strand). Cytogenetic location: 17q23.2.
Variant type: single nucleotide variant.
Coding change: c.97A>C on transcript NM_001394998.1 (MANE Select); coding-DNA position 97, A replaced by C.
Protein change: p.Arg33=; no amino-acid change (arginine 33 retained).
Molecular consequence: synonymous variant.
Genome position (GRCh38, 1-based): chr17:63,073,972, A>C. VCF-style: chr17-63073972-A-C. GRCh37 (hg19) VCF-style: chr17-61151333-A-C.
Other names: c.97A>C, p.Arg33= (NM_001411076.1, NM_025185.4).
Identifiers: ClinVar variation 2648036 (VCV002648036.24), dbSNP rs2509899449, ClinGen allele CA501307612.

ClinVar aggregate classification (germline): Uncertain significance (1 of 4 stars; one submission).

Submission:

CeGaT Center for Human Genetics Tuebingen
Classification: Uncertain significance. Last evaluated: 2023-01-01. Review status: criteria provided, single submitter. Criteria: CeGaT Center For Human Genetics Tuebingen Variant Classification Criteria Version 2. Collection method: clinical testing. Allele origin: germline. Affected: yes. Observed: 1 variant allele.
Comment: TANC2: PM2:Supporting, BP4